The following is an entry in ClinVar:

ClinVar aggregate classification (germline): Pathogenic (1 of 4 stars; one submission).

Submission:

GeneDx
Classification: Pathogenic. Last evaluated: 2017-11-28. Review status: criteria provided, single submitter. Criteria: GeneDx Variant Classification (06012015). Collection method: clinical testing. Allele origin: germline. Affected: yes.
Comment: The Q31597X pathogenic variant in the TTN gene has not been reported as a pathogenic variant or as a benign variant to our knowledge. Q31597X is predicted to cause loss of normal protein function either by protein truncation or nonsense-mediated mRNA decay. Other truncating TTN variants have been reported in approximately 3% of control alleles (Herman et al., 2012). However, Q31597X is located in the A-band region of titin, where the majority of truncating variants associated with DCM have been reported (Herman et al., 2012). Furthermore, Q31597X is not observed in large population cohorts (Lek et al., 2016; 1000 Genomes Consortium et al., 2015; Exome Variant Server).

NM_001267550.2(TTN):c.99712C>T (p.Gln33238Ter)

Genes: TTN (titin; minus strand), TTN-AS1 (TTN antisense RNA 1; plus strand), LOC126806420 (BRD4-independent group 4 enhancer GRCh37_chr2:179401104-179402303; plus strand). Cytogenetic location: 2q31.2.
Variant type: single nucleotide variant.
Coding change: c.99712C>T on transcript NM_001267550.2 (MANE Select); coding-DNA position 99712, C replaced by T.
Protein change: p.Gln33238Ter; replaces glutamine 33238 with a stop codon.
Molecular consequence: nonsense. On other transcripts: non-coding transcript variant (1).
Genome position (GRCh38, 1-based): chr2:178,537,495, G>A on the plus strand (C>T on the coding strand, the complement: TTN is on the minus strand). VCF-style: chr2-178537495-G-A. GRCh37 (hg19) VCF-style: chr2-179402222-G-A.
Other names: c.94789C>T, p.Gln31597Ter (NM_001256850.1); c.72517C>T, p.Gln24173Ter (NM_003319.4); c.92008C>T, p.Gln30670Ter (NM_133378.4); c.72892C>T, p.Gln24298Ter (NM_133432.3); c.73093C>T, p.Gln24365Ter (NM_133437.4); short protein forms Q31597*, Q33238*, Q24298*, Q24173*, Q24365*, Q30670*.
Identifiers: ClinVar variation 429441 (VCV000429441.2), dbSNP rs1131691383, ClinGen allele CA349427624.